The following is an entry in ClinVar:

ClinVar aggregate classification (germline): Likely benign. Review status: criteria provided, multiple submitters, no conflicts (2 of 4 stars). 4 submissions from 4 submitters: Likely benign (4). Last evaluated 2026-09-21.

Conditions:
Ehlers-Danlos syndrome, classic type, 1 (EDSCL1). Also called: Ehlers-Danlos syndrome, type 1; Ehlers-Danlos Syndrome, Classic Type, COL5A1-Related; EHLERS-DANLOS SYNDROME, GRAVIS TYPE; EHLERS-DANLOS SYNDROME, SEVERE CLASSIC TYPE; EDS I. Identifiers: MedGen C0268335, MONDO:0019567, OMIM 130000.
Familial thoracic aortic aneurysm and aortic dissection (TAAD). Also called: Thoracic aortic aneurysms and dissections. Identifiers: Orphanet 91387, MedGen C4707243, MONDO:0019625.

Allele frequency attached by ClinVar (database versions not stated): gnomAD 0.00002 and 0.00001; TOPMed 0.00003.
gnomAD v4.1: 10 of 1,613,622 alleles (0.00062%); highest among the groups gnomAD compares: African/African-American, 0.0027%; no homozygotes.

Submissions (4):

Molecular Diagnostic Laboratory for Inherited Cardiovascular Disease, Montreal Heart Institute
Classification: Likely benign. Last evaluated: 2026-09-21. Review status: criteria provided, single submitter. Criteria: ACMG Guidelines, 2015. Collection method: clinical testing. Allele origin: germline. Affected: no.

Labcorp Genetics (formerly Invitae), Labcorp
Classification: Likely benign for Ehlers-Danlos syndrome, classic type, 1. Last evaluated: 2025-12-26. Review status: criteria provided, single submitter. Criteria: Invitae Variant Classification Sherloc (09022015). Collection method: clinical testing. Allele origin: germline.

Ambry Genetics
Classification: Likely benign for Familial thoracic aortic aneurysm and aortic dissection. Last evaluated: 2022-12-06. Review status: criteria provided, single submitter. Criteria: Ambry Variant Classification Scheme 2023. Collection method: clinical testing. Allele origin: germline.

GeneDx
Classification: Likely benign. Last evaluated: 2017-10-27. Review status: criteria provided, single submitter. Criteria: GeneDx Variant Classification (06012015). Collection method: clinical testing. Allele origin: germline. Affected: yes.
Comment: This variant is considered likely benign or benign based on one or more of the following criteria: it is a conservative change, it occurs at a poorly conserved position in the protein, it is predicted to be benign by multiple in silico algorithms, and/or has population frequency not consistent with disease.

NM_000393.5(COL5A2):c.4116C>T (p.Phe1372=)

Gene: COL5A2 (collagen type V alpha 2 chain; minus strand). Cytogenetic location: 2q32.2.
Variant type: single nucleotide variant.
Coding change: c.4116C>T on transcript NM_000393.5 (MANE Select); coding-DNA position 4116, C replaced by T.
Protein change: p.Phe1372=; no amino-acid change (phenylalanine 1372 retained).
Molecular consequence: synonymous variant.
Genome position (GRCh38, 1-based): chr2:189,035,153, G>A on the plus strand (C>T on the coding strand, the complement: COL5A2 is on the minus strand). VCF-style: chr2-189035153-G-A. GRCh37 (hg19) VCF-style: chr2-189899879-G-A.
Other names: c.4116C>T (NM_000393.4).
Identifiers: ClinVar variation 512950 (VCV000512950.13), dbSNP rs755092575, ClinGen allele CA2021841.